The following is an entry in ClinVar:

NM_012418.4(FSCN2):c.539G>A (p.Arg180Gln)

Gene: FSCN2 (fascin actin-bundling protein 2, retinal; plus strand). Cytogenetic location: 17q25.3.
Variant type: single nucleotide variant.
Coding change: c.539G>A on transcript NM_012418.4 (MANE Select); coding-DNA position 539, G replaced by A.
Protein change: p.Arg180Gln; replaces arginine 180 with glutamine.
Molecular consequence: missense variant.
Genome position (GRCh38, 1-based): chr17:81,529,070, G>A. VCF-style: chr17-81529070-G-A. GRCh37 (hg19) VCF-style: chr17-79496096-G-A.
Other names: c.539G>A, p.Arg180Gln (NM_001077182.3); short protein forms R180Q.
Identifiers: ClinVar variation 949130 (VCV000949130.10), dbSNP rs782188805, ClinGen allele CA8836710.
Genomic context (GRCh38, chr17:81,529,070, plus strand): 5'-AGATGGCCGCAGACGGAGACAAGCCCTGGGGCGTGGACGCCCTCCTCACCCTCATCTTCC[G>A]GAGCCGACGGTACTGCCTCAAGTCCTGTGACAGCCGCTACCTGCGCAGCGACGGCCGTCT-3'
Protein context (NP_036550.1, residues 170-190): GVDALLTLIF[Arg180Gln]SRRYCLKSCD

ClinVar aggregate classification (germline): Conflicting classifications of pathogenicity. Review status: criteria provided, conflicting classifications (1 of 4 stars). 3 submissions from 3 submitters: Uncertain significance (1); Benign (1); Likely benign (1). Last evaluated 2025-07-14.

Conditions:
Retinal dystrophy. Also called: Inherited retinal dystrophy. Identifiers: Orphanet 71862, MedGen C0854723, MeSH D058499, MONDO:0019118, HP:0000556.

Allele frequency attached by ClinVar (database versions not stated): gnomAD exomes 0.00006; TOPMed 0.00008; ExAC 0.00014.
gnomAD v4.1: 40 of 1,590,908 alleles (0.0025%); highest among the groups gnomAD compares: East Asian, 0.027%; no homozygotes.

Submissions (3):

Labcorp Genetics (formerly Invitae), Labcorp
Classification: Uncertain significance. Last evaluated: 2025-07-14. Review status: criteria provided, single submitter. Criteria: Invitae Variant Classification Sherloc (09022015). Collection method: clinical testing. Allele origin: germline.
Comment: This sequence change replaces arginine, which is basic and polar, with glutamine, which is neutral and polar, at codon 180 of the FSCN2 protein (p.Arg180Gln). The frequency data for this variant in the population databases is considered unreliable, as metrics indicate poor data quality at this position in the gnomAD database. This variant has not been reported in the literature in individuals affected with FSCN2-related conditions. ClinVar contains an entry for this variant (Variation ID: 949130). An algorithm developed to predict the effect of missense changes on protein structure and function outputs the following: PolyPhen-2: "Benign". The glutamine amino acid residue is found in multiple mammalian species, which suggests that this missense change does not adversely affect protein function. In summary, the available evidence is currently insufficient to determine the role of this variant in disease. Therefore, it has been classified as a Variant of Uncertain Significance.

Dept Of Ophthalmology, Nagoya University
Classification: Benign for Retinal dystrophy. Last evaluated: 2023-10-01. Review status: criteria provided, single submitter. Criteria: Submitter's publication. Collection method: research. Allele origin: germline. Affected: yes.

Ambry Genetics
Classification: Likely benign. Last evaluated: 2023-05-18. Review status: criteria provided, single submitter. Criteria: Ambry Variant Classification Scheme 2023. Collection method: clinical testing. Allele origin: germline.